The following is an entry in ClinVar:

NM_000548.5(TSC2):c.2735T>C (p.Ile912Thr)

Gene: TSC2 (TSC complex subunit 2; plus strand). Cytogenetic location: 16p13.3.
Variant type: single nucleotide variant.
Coding change: c.2735T>C on transcript NM_000548.5 (MANE Select); coding-DNA position 2735, T replaced by C.
Protein change: p.Ile912Thr; replaces isoleucine 912 with threonine.
Molecular consequence: missense variant. On other transcripts: non-coding transcript variant (5).
Genome position (GRCh38, 1-based): chr16:2,076,163, T>C. VCF-style: chr16-2076163-T-C. GRCh37 (hg19) VCF-style: chr16-2126164-T-C.
Other names: c.2735T>C, p.Ile912Thr (NM_001077183.3, NM_001114382.3, NM_001363528.2 and 6 more transcripts); c.2624T>C, p.Ile875Thr (NM_001318827.2, NM_001406670.1, NM_001406678.1); c.2588T>C, p.Ile863Thr (NM_001318829.2, NM_001406675.1, NM_001406676.1 and 1 more transcripts); c.2135T>C, p.Ile712Thr (NM_001318831.2, NM_001406680.1, NM_001406682.1 and 6 more transcripts); c.2768T>C, p.Ile923Thr (NM_001318832.2); c.2825T>C, p.Ile942Thr (NM_001406667.1, NM_001406668.1); c.2723T>C, p.Ile908Thr (NM_001406671.1, NM_001406673.1); c.2678T>C, p.Ile893Thr (NM_001406677.1); and 3 more; short protein forms I942T, I863T, I875T, I893T, I378T, I712T, I912T, I464T.
Identifiers: ClinVar variation 2910388 (VCV002910388.3), dbSNP rs2151389141, ClinGen allele CA394279601.
Genomic context (GRCh38, chr16:2,076,163, plus strand): 5'-TCATAGCCATGTGGTTCATCAGGTGCCGCCTGCCCTTCCGGAAGGATTTTGTCCCTTTCA[T>C]CACTAAGGTGGGCTCAGGGCCGGTGAAGGCTGTGTCTCTCGGTAGGCCAGGGCTTGCTTT-3'
Protein context (NP_000539.2, residues 902-922): LPFRKDFVPF[Ile912Thr]TKGLRSNVLL

ClinVar aggregate classification (germline): Likely pathogenic (1 of 4 stars; one submission).

Conditions:
Tuberous sclerosis 2 (TSC2). Identifiers: Orphanet 805, MedGen C1860707, MONDO:0013199, OMIM 613254.

Submission:

Labcorp Genetics (formerly Invitae), Labcorp
Classification: Likely pathogenic for Tuberous sclerosis 2. Last evaluated: 2023-06-27. Review status: criteria provided, single submitter. Criteria: Invitae Variant Classification Sherloc (09022015). Collection method: clinical testing. Allele origin: germline.
Comment: This missense change has been observed in individual(s) with clinical features of tuberous sclerosis complex (PMID: 29432982; Invitae). In at least one individual the variant was observed to be de novo. Advanced modeling of protein sequence and biophysical properties (such as structural, functional, and spatial information, amino acid conservation, physicochemical variation, residue mobility, and thermodynamic stability) has been performed at Invitae for this missense variant, however the output from this modeling did not meet the statistical confidence thresholds required to predict the impact of this variant on TSC2 protein function. In summary, the currently available evidence indicates that the variant is pathogenic, but additional data are needed to prove that conclusively. Therefore, this variant has been classified as Likely Pathogenic. This variant is not present in population databases (gnomAD no frequency). This sequence change replaces isoleucine, which is neutral and non-polar, with threonine, which is neutral and polar, at codon 912 of the TSC2 protein (p.Ile912Thr).

Literature cited by the submitters: PubMed 29432982.